The following is an entry in ClinVar:

NM_001377265.1(MAPT):c.2101G>T (p.Val701Phe)

Gene: MAPT (microtubule associated protein tau). Cytogenetic location: 17q21.31.
Variant type: single nucleotide variant.
Coding change: c.2101G>T on transcript NM_001377265.1 (MANE Select); coding-DNA position 2101, G replaced by T.
Protein change: p.Val701Phe; replaces valine 701 with phenylalanine.
Molecular consequence: missense variant. On other transcripts: non-coding transcript variant (1).
Genome position (GRCh38, 1-based): chr17:46,014,252, G>T. VCF-style: chr17-46014252-G-T. GRCh37 (hg19) VCF-style: chr17-44091618-G-T.
Other names: c.1930G>T, p.Val644Phe (NM_001123066.4); c.838G>T, p.Val280Phe (NM_001123067.4); c.745G>T, p.Val249Phe (NM_001203251.2, NM_001377267.1); c.832G>T, p.Val278Phe (NM_001203252.2); c.1810G>T, p.Val604Phe (NM_001377266.1); c.658G>T, p.Val220Phe (NM_001377268.1, NM_016841.5); c.925G>T, p.Val309Phe (NM_005910.6); c.751G>T, p.Val251Phe (NM_016834.5); and 1 more; short protein forms V278F, V626F, V220F, V249F, V251F, V701F, V280F, V309F.
Identifiers: ClinVar variation 2038936 (VCV002038936.4), dbSNP rs2510187753, ClinGen allele CA399983436.

ClinVar aggregate classification (germline): Uncertain significance (1 of 4 stars; one submission).

Conditions:
Frontotemporal dementia (FTD1). Also called: Dementia, frontotemporal, with or without parkinsonism; FRONTOTEMPORAL DEMENTIA WITH PARKINSONISM; FRONTOTEMPORAL LOBE DEMENTIA; Frontotemporal lobe dementia (FLDEM); WILHELMSEN-LYNCH DISEASE; MULTIPLE SYSTEM TAUOPATHY WITH PRESENILE DEMENTIA. Identifiers: Orphanet 282, MedGen C0338451, MONDO:0017276, OMIM 600274, HP:0002145.

Submission:

Labcorp Genetics (formerly Invitae), Labcorp
Classification: Uncertain significance for Frontotemporal dementia. Last evaluated: 2022-08-22. Review status: criteria provided, single submitter. Criteria: Invitae Variant Classification Sherloc (09022015). Collection method: clinical testing. Allele origin: germline.
Comment: This variant has not been reported in the literature in individuals affected with MAPT-related conditions. In summary, the available evidence is currently insufficient to determine the role of this variant in disease. Therefore, it has been classified as a Variant of Uncertain Significance. Algorithms developed to predict the effect of missense changes on protein structure and function are either unavailable or do not agree on the potential impact of this missense change (SIFT: "Deleterious"; PolyPhen-2: "Probably Damaging"; Align-GVGD: "Class C0"). This variant is not present in population databases (gnomAD no frequency). This sequence change replaces valine, which is neutral and non-polar, with phenylalanine, which is neutral and non-polar, at codon 309 of the MAPT protein (p.Val309Phe).